The following is an entry in ClinVar:

ClinVar aggregate classification (germline): Uncertain significance. Review status: criteria provided, multiple submitters, no conflicts (2 of 4 stars). 2 submissions from 2 submitters: Uncertain significance (2). Last evaluated 2024-07-03.

Conditions:
Epidermolysis bullosa simplex, Ogna type (EBS5A). Also called: Pidermolysis bullosa simplex 5A, Ogna type; EPIDERMOLYSIS BULLOSA SIMPLEX 5A, OGNA TYPE. Identifiers: Orphanet 79401, MedGen C0432317, MONDO:0007555, OMIM 131950.
Autosomal recessive limb-girdle muscular dystrophy type 2Q (LGMDR17). Also called: MUSCULAR DYSTROPHY, LIMB-GIRDLE, AUTOSOMAL RECESSIVE 17. Identifiers: Orphanet 254361, MedGen C3150989, MONDO:0013390, OMIM 613723.
Epidermolysis bullosa simplex 5C, with pyloric atresia (EBS5C). Also called: PLEC-Related Epidermolysis Bullosa with Pyloric Atresia; Epidermolysis bullosa simplex with pyloric atresia; PLEC1-Related Epidermolysis Bullosa with Pyloric Atresia. Identifiers: Orphanet 158684, MedGen C2677349, MONDO:0012807, OMIM 612138.
Epidermolysis bullosa simplex 5B, with muscular dystrophy (EBS5B). Also called: EPIDERMOLYSIS BULLOSA SIMPLEX AND LIMB-GIRDLE MUSCULAR DYSTROPHY; Epidermolysis bullosa simplex with muscular dystrophy. Identifiers: Orphanet 257, MedGen C2931072, MONDO:0009181, OMIM 226670.
Epidermolysis bullosa simplex with nail dystrophy (EBS5D). Identifiers: MedGen C4225309, MONDO:0014661, OMIM 616487.
Inborn genetic diseases. Identifiers: MedGen C0950123, MeSH D030342.

Allele frequency attached by ClinVar (database versions not stated): gnomAD 0.00001; gnomAD exomes 0.00001; TOPMed 0.00001.
gnomAD v4.1: 23 of 1,613,476 alleles (0.0014%); highest among the groups gnomAD compares: Non-Finnish European, 0.0019%; no homozygotes.

Submissions (2):

Labcorp Genetics (formerly Invitae), Labcorp
Classification: Uncertain significance for Autosomal recessive limb-girdle muscular dystrophy type 2Q; Epidermolysis bullosa simplex, Ogna type; Epidermolysis bullosa simplex with nail dystrophy; Epidermolysis bullosa simplex 5C, with pyloric atresia; Epidermolysis bullosa simplex 5B, with muscular dystrophy. Last evaluated: 2024-07-03. Review status: criteria provided, single submitter. Criteria: Invitae Variant Classification Sherloc (09022015). Collection method: clinical testing. Allele origin: germline.
Comment: This sequence change replaces serine, which is neutral and polar, with cysteine, which is neutral and slightly polar, at codon 2848 of the PLEC protein (p.Ser2848Cys). This variant is present in population databases (no rsID available, gnomAD 0.01%). This variant has not been reported in the literature in individuals affected with PLEC-related conditions. ClinVar contains an entry for this variant (Variation ID: 567787). Advanced modeling of protein sequence and biophysical properties (such as structural, functional, and spatial information, amino acid conservation, physicochemical variation, residue mobility, and thermodynamic stability) performed at Invitae indicates that this missense variant is not expected to disrupt PLEC protein function with a negative predictive value of 80%. In summary, the available evidence is currently insufficient to determine the role of this variant in disease. Therefore, it has been classified as a Variant of Uncertain Significance.

Ambry Genetics
Classification: Uncertain significance for Inborn genetic diseases. Last evaluated: 2021-07-06. Review status: criteria provided, single submitter. Criteria: Ambry Variant Classification Scheme 2023. Collection method: clinical testing. Allele origin: germline.

NM_201384.3(PLEC):c.8461A>T (p.Ser2821Cys)

Gene: PLEC (plectin; minus strand). Cytogenetic location: 8q24.3.
Variant type: single nucleotide variant.
Coding change: c.8461A>T on transcript NM_201384.3 (MANE Select); coding-DNA position 8461, A replaced by T.
Protein change: p.Ser2821Cys; replaces serine 2821 with cysteine.
Molecular consequence: missense variant.
Genome position (GRCh38, 1-based): chr8:143,921,360, T>A on the plus strand (A>T on the coding strand, the complement: PLEC is on the minus strand). VCF-style: chr8-143921360-T-A. GRCh37 (hg19) VCF-style: chr8-144995528-T-A.
Other names: c.8542A>T (NM_000445.3); c.8542A>T, p.Ser2848Cys (NM_000445.5); c.8419A>T, p.Ser2807Cys (NM_201378.4); c.8395A>T, p.Ser2799Cys (NM_201379.3); c.8872A>T, p.Ser2958Cys (NM_201380.4); c.8365A>T, p.Ser2789Cys (NM_201381.3); c.8461A>T, p.Ser2821Cys (NM_201382.4); c.8473A>T, p.Ser2825Cys (NM_201383.3); short protein forms S2807C, S2958C, S2799C, S2848C, S2789C, S2821C, S2825C.
Identifiers: ClinVar variation 567787 (VCV000567787.6), dbSNP rs1425678539, ClinGen allele CA372515995.